The following is an entry in ClinVar:

NM_001042681.2(RERE):c.1802C>T (p.Pro601Leu)

Gene: RERE (arginine-glutamic acid dipeptide repeats; minus strand). Cytogenetic location: 1p36.23.
Variant type: single nucleotide variant.
Coding change: c.1802C>T on transcript NM_001042681.2 (MANE Select); coding-DNA position 1802, C replaced by T.
Protein change: p.Pro601Leu; replaces proline 601 with leucine.
Molecular consequence: missense variant.
Genome position (GRCh38, 1-based): chr1:8,362,783, G>A on the plus strand (C>T on the coding strand, the complement: RERE is on the minus strand). VCF-style: chr1-8362783-G-A. GRCh37 (hg19) VCF-style: chr1-8422843-G-A.
Other names: c.140C>T, p.Pro47Leu (NM_001042682.2); c.1802C>T, p.Pro601Leu (NM_012102.4); short protein forms P47L, P601L.
Identifiers: ClinVar variation 2249855 (VCV002249855.2), dbSNP rs773297598, ClinGen allele CA571543.

ClinVar aggregate classification (germline): Uncertain significance (1 of 4 stars; one submission).

Conditions:
Inborn genetic diseases. Identifiers: MedGen C0950123, MeSH D030342.

Allele frequency attached by ClinVar (database versions not stated): ExAC 0.00001; TOPMed 0.00001.
gnomAD v4.1: 1 of 1,614,042 alleles (0.000062%); no homozygotes.

Submission:

Ambry Genetics
Classification: Uncertain significance for Inborn genetic diseases. Last evaluated: 2021-10-08. Review status: criteria provided, single submitter. Criteria: Ambry Variant Classification Scheme 2023. Collection method: clinical testing. Allele origin: germline.
Comment: The c.1802C>T (p.P601L) alteration is located in exon 17 (coding exon 15) of the RERE gene. This alteration results from a C to T substitution at nucleotide position 1802, causing the proline (P) at amino acid position 601 to be replaced by a leucine (L). Based on data from gnomAD, the T allele has an overall frequency of <0.01% (2/281926) total alleles studied. This amino acid position is highly conserved in available vertebrate species. This alteration is predicted to be tolerated by in silico analysis. Based on insufficient or conflicting evidence, the clinical significance of this alteration remains unclear.